The following is an entry in ClinVar:

ClinVar aggregate classification (germline): Pathogenic. Review status: criteria provided, single submitter (1 of 4 stars). 2 submissions from 2 submitters: Pathogenic (1). 1 of the submissions does not count toward it. Last evaluated 2023-12-22.

Conditions:
Auditory neuropathy. Identifiers: MedGen C1852271, MONDO:0021944.
Autosomal recessive nonsyndromic hearing loss 9. Also called: NEUROSENSORY NONSYNDROMIC RECESSIVE DEAFNESS 9; OTOF-Related Hearing Loss; Deafness, autosomal recessive 9; AUDITORY NEUROPATHY, AUTOSOMAL RECESSIVE, 1, TEMPERATURE-SENSITIVE. Identifiers: Orphanet 90636, MedGen C1832828, MONDO:0010986, OMIM 601071.

Allele frequency attached by ClinVar (database versions not stated): TOPMed 0.00001; gnomAD exomes below 0.00001.
gnomAD v4.1: 2 of 1,611,706 alleles (0.00012%); highest among the groups gnomAD compares: South Asian, 0.0022%; no homozygotes.

Submissions (2):

WangQJ Lab, Chinese People's Liberation Army General Hospital
Classification: Pathogenic for Auditory neuropathy. Last evaluated: 2023-12-22. Review status: criteria provided, single submitter. Criteria: Submitter's publication. Collection method: research. Allele origin: germline. Affected: yes. Observed: 1 variant allele.

Diagnosis and Treatment Center of Genetic Hearing Loss, Eye & ENT Hospital of Fudan University
Classification: Pathogenic for Autosomal recessive nonsyndromic hearing loss 9. Last evaluated: 2026-02-04. Review status: no assertion criteria provided. Collection method: clinical testing. Allele origin: germline. Inheritance: Autosomal recessive inheritance. Affected: yes. Not counted in ClinVar's aggregate classification.
Comment: The c.765+1G>C splice donor variant in OTOF is predicted to disrupt splicing (PVS1). The population frequency is 0.000008 (PM2_Supporting). The phenotype is consistent with auditory neuropathy (PP4). (PMID: 26818607)

Literature cited by the submitters: PubMed 26818607 (cited by Diagnosis and Treatment Center of Genetic Hearing Loss, Eye & ENT Hospital of Fudan University).

NM_194248.3(OTOF):c.765+1G>C

Gene: OTOF (otoferlin; minus strand). Cytogenetic location: 2p23.3.
Variant type: single nucleotide variant.
Coding change: c.765+1G>C on transcript NM_194248.3 (MANE Select); the canonical splice donor site of the intron after coding-DNA position 765, G replaced by C.
Molecular consequence: splice donor variant.
Genome position (GRCh38, 1-based): chr2:26,501,753, C>G on the plus strand (G>C on the coding strand, the complement: OTOF is on the minus strand). VCF-style: chr2-26501753-C-G. GRCh37 (hg19) VCF-style: chr2-26724621-C-G.
Other names: c.765+1G>C (NM_001287489.2).
Identifiers: ClinVar variation 2683873 (VCV002683873.2), dbSNP rs1207567940, ClinGen allele CA346138658.